The following is an entry in ClinVar:

NM_206933.4(USH2A):c.7303C>A (p.Pro2435Thr)

Gene: USH2A (usherin; minus strand). Cytogenetic location: 1q41.
Variant type: single nucleotide variant.
Coding change: c.7303C>A on transcript NM_206933.4 (MANE Select); coding-DNA position 7303, C replaced by A.
Protein change: p.Pro2435Thr; replaces proline 2435 with threonine.
Molecular consequence: missense variant.
Genome position (GRCh38, 1-based): chr1:215,900,903, G>T on the plus strand (C>A on the coding strand, the complement: USH2A is on the minus strand). VCF-style: chr1-215900903-G-T. GRCh37 (hg19) VCF-style: chr1-216074245-G-T.
Other names: short protein forms P2435T.
Identifiers: ClinVar variation 166474 (VCV000166474.5), dbSNP rs727503720, ClinGen allele CA179534.

ClinVar aggregate classification (germline): Uncertain significance (1 of 4 stars; one submission).

Submission:

Laboratory for Molecular Medicine, Mass General Brigham Personalized Medicine
Classification: Uncertain significance. Last evaluated: 2013-10-06. Review status: criteria provided, single submitter. Criteria: LMM Criteria. Collection method: clinical testing. Allele origin: germline. Observed: 1 variant allele.
Comment: The Pro2435Thr variant in USH2A has not been previously reported in individuals with hearing loss or in large population studies. Computational analyses (bioche mical amino acid properties, conservation, AlignGVGD, PolyPhen2, and SIFT) do no t provide strong support for or against an impact to the protein. This variant i s located three nucleotides away from a splice site junction; however, the varia nt is not located in the conserved region of the splice site consensus sequence and splice prediction tools do not suggest abnormal splicing. In summary, additi onal data is needed to determine the clinical significance of this variant.